The following is an entry in ClinVar:

NM_001377540.1(SLMAP):c.1844G>C (p.Arg615Pro)

Gene: SLMAP (sarcolemma associated protein; plus strand). Cytogenetic location: 3p14.3.
Variant type: single nucleotide variant.
Coding change: c.1844G>C on transcript NM_001377540.1 (MANE Select); coding-DNA position 1844, G replaced by C.
Protein change: p.Arg615Pro; replaces arginine 615 with proline.
Molecular consequence: missense variant. On other transcripts: non-coding transcript variant (1).
Genome position (GRCh38, 1-based): chr3:57,912,525, G>C. VCF-style: chr3-57912525-G-C. GRCh37 (hg19) VCF-style: chr3-57898252-G-C.
Other names: c.1793G>C, p.Arg598Pro (NM_001304420.3, NM_001377541.1, NM_001377542.1); c.1679G>C, p.Arg560Pro (NM_001304421.2, NM_001377557.1, NM_001377559.1); c.395G>C, p.Arg132Pro (NM_001304422.3, NM_001311178.2); c.197G>C, p.Arg66Pro (NM_001304423.3); c.272G>C, p.Arg91Pro (NM_001311179.2, NM_001377926.1, NM_001377927.1 and 1 more transcripts); c.1865G>C, p.Arg622Pro (NM_001377538.1); c.1844G>C, p.Arg615Pro (NM_001377539.1); c.1781G>C, p.Arg594Pro (NM_001377545.1); and 8 more; short protein forms R519P, R577P, R594P, R615P, R66P, R91P, R553P, R557P.
Identifiers: ClinVar variation 2448009 (VCV002448009.4), dbSNP rs781418237, ClinGen allele CA353408513.

ClinVar aggregate classification (germline): Uncertain significance. Review status: criteria provided, multiple submitters, no conflicts (2 of 4 stars). 2 submissions from 2 submitters: Uncertain significance (2). Last evaluated 2025-02-13.

Conditions:
Brugada syndrome. Also called: Sudden unexplained nocturnal death syndrome; Sudden unexpected nocturnal death syndrome; Sudden Unexplained Death Syndrome; Sudden Unexplained Nocturnal Death Syndrome (SUNDS). Identifiers: Orphanet 130, MedGen C1142166, MONDO:0015263.

gnomAD v4.1: 5 of 1,614,150 alleles (0.00031%); highest among the groups gnomAD compares: Non-Finnish European, 0.00042%; no homozygotes.

Submissions (2):

Labcorp Genetics (formerly Invitae), Labcorp
Classification: Uncertain significance for Brugada syndrome. Last evaluated: 2025-02-13. Review status: criteria provided, single submitter. Criteria: Invitae Variant Classification Sherloc (09022015). Collection method: clinical testing. Allele origin: germline.
Comment: This sequence change replaces arginine, which is basic and polar, with proline, which is neutral and non-polar, at codon 581 of the SLMAP protein (p.Arg581Pro). This variant is present in population databases (no rsID available, gnomAD 0.0009%). This variant has not been reported in the literature in individuals affected with SLMAP-related conditions. ClinVar contains an entry for this variant (Variation ID: 2448009). An algorithm developed to predict the effect of missense changes on protein structure and function (PolyPhen-2) suggests that this variant is likely to be disruptive. In summary, the available evidence is currently insufficient to determine the role of this variant in disease. Therefore, it has been classified as a Variant of Uncertain Significance.

Ambry Genetics
Classification: Uncertain significance. Last evaluated: 2023-02-28. Review status: criteria provided, single submitter. Criteria: Ambry Variant Classification Scheme 2023. Collection method: clinical testing. Allele origin: germline.
Comment: The p.R581P variant (also known as c.1742G>C), located in coding exon 17 of the SLMAP gene, results from a G to C substitution at nucleotide position 1742. The arginine at codon 581 is replaced by proline, an amino acid with dissimilar properties. This amino acid position is conserved. In addition, this alteration is predicted to be deleterious by in silico analysis. Since supporting evidence is limited at this time, the clinical significance of this alteration remains unclear.